The following continues an entry in ClinVar:

NM_001206641.3(COA6):c.213-4A>G

Gene: COA6. ClinVar aggregate classification (germline): Benign. Benign (3).

Submissions 33 to 69 of 92:

Dr. Peter K. Rogan Lab, Western University
No classification provided (evidence only). Condition: Sarcoma. Review status: no classification provided. Collection method: in vitro. Allele origin: not applicable. Functional consequence: retained intron. Not counted in ClinVar's aggregate classification.

Dr. Peter K. Rogan Lab, Western University
No classification provided (evidence only). Condition: Sarcoma. Review status: no classification provided. Collection method: in vitro. Allele origin: not applicable. Functional consequence: retained intron. Not counted in ClinVar's aggregate classification.

Dr. Peter K. Rogan Lab, Western University
No classification provided (evidence only). Condition: Sarcoma. Review status: no classification provided. Collection method: in vitro. Allele origin: not applicable. Functional consequence: retained intron. Not counted in ClinVar's aggregate classification.

Dr. Peter K. Rogan Lab, Western University
No classification provided (evidence only). Condition: Sarcoma. Review status: no classification provided. Collection method: in vitro. Allele origin: not applicable. Functional consequence: retained intron. Not counted in ClinVar's aggregate classification.

Dr. Peter K. Rogan Lab, Western University
No classification provided (evidence only). Condition: Sarcoma. Review status: no classification provided. Collection method: in vitro. Allele origin: not applicable. Functional consequence: retained intron. Not counted in ClinVar's aggregate classification.

Dr. Peter K. Rogan Lab, Western University
No classification provided (evidence only). Condition: Sarcoma. Review status: no classification provided. Collection method: in vitro. Allele origin: not applicable. Functional consequence: retained intron. Not counted in ClinVar's aggregate classification.

Dr. Peter K. Rogan Lab, Western University
No classification provided (evidence only). Condition: Sarcoma. Review status: no classification provided. Collection method: in vitro. Allele origin: not applicable. Functional consequence: retained intron. Not counted in ClinVar's aggregate classification.

Dr. Peter K. Rogan Lab, Western University
No classification provided (evidence only). Condition: Sarcoma. Review status: no classification provided. Collection method: in vitro. Allele origin: not applicable. Functional consequence: retained intron. Not counted in ClinVar's aggregate classification.

Dr. Peter K. Rogan Lab, Western University
No classification provided (evidence only). Condition: Sarcoma. Review status: no classification provided. Collection method: in vitro. Allele origin: not applicable. Functional consequence: retained intron. Not counted in ClinVar's aggregate classification.

Dr. Peter K. Rogan Lab, Western University
No classification provided (evidence only). Condition: Sarcoma. Review status: no classification provided. Collection method: in vitro. Allele origin: not applicable. Functional consequence: retained intron. Not counted in ClinVar's aggregate classification.

Dr. Peter K. Rogan Lab, Western University
No classification provided (evidence only). Condition: Sarcoma. Review status: no classification provided. Collection method: in vitro. Allele origin: not applicable. Functional consequence: retained intron. Not counted in ClinVar's aggregate classification.

Dr. Peter K. Rogan Lab, Western University
No classification provided (evidence only). Condition: Sarcoma. Review status: no classification provided. Collection method: in vitro. Allele origin: not applicable. Functional consequence: retained intron. Not counted in ClinVar's aggregate classification.

Dr. Peter K. Rogan Lab, Western University
No classification provided (evidence only). Condition: Sarcoma. Review status: no classification provided. Collection method: in vitro. Allele origin: not applicable. Functional consequence: retained intron. Not counted in ClinVar's aggregate classification.

Dr. Peter K. Rogan Lab, Western University
No classification provided (evidence only). Condition: Sarcoma. Review status: no classification provided. Collection method: in vitro. Allele origin: not applicable. Functional consequence: retained intron. Not counted in ClinVar's aggregate classification.

Dr. Peter K. Rogan Lab, Western University
No classification provided (evidence only). Condition: Sarcoma. Review status: no classification provided. Collection method: in vitro. Allele origin: not applicable. Functional consequence: retained intron. Not counted in ClinVar's aggregate classification.

Dr. Peter K. Rogan Lab, Western University
No classification provided (evidence only). Condition: Sarcoma. Review status: no classification provided. Collection method: in vitro. Allele origin: not applicable. Functional consequence: retained intron. Not counted in ClinVar's aggregate classification.

Dr. Peter K. Rogan Lab, Western University
No classification provided (evidence only). Condition: Malignant lymphoma, large B-cell, diffuse. Review status: no classification provided. Collection method: in vitro. Allele origin: not applicable. Functional consequence: retained intron. Not counted in ClinVar's aggregate classification.

Dr. Peter K. Rogan Lab, Western University
No classification provided (evidence only). Condition: Malignant lymphoma, large B-cell, diffuse. Review status: no classification provided. Collection method: in vitro. Allele origin: not applicable. Functional consequence: retained intron. Not counted in ClinVar's aggregate classification.

Dr. Peter K. Rogan Lab, Western University
No classification provided (evidence only). Condition: Malignant lymphoma, large B-cell, diffuse. Review status: no classification provided. Collection method: in vitro. Allele origin: not applicable. Functional consequence: retained intron. Not counted in ClinVar's aggregate classification.

Dr. Peter K. Rogan Lab, Western University
No classification provided (evidence only). Condition: Malignant lymphoma, large B-cell, diffuse. Review status: no classification provided. Collection method: in vitro. Allele origin: not applicable. Functional consequence: retained intron. Not counted in ClinVar's aggregate classification.

Dr. Peter K. Rogan Lab, Western University
No classification provided (evidence only). Condition: Malignant lymphoma, large B-cell, diffuse. Review status: no classification provided. Collection method: in vitro. Allele origin: not applicable. Functional consequence: retained intron. Not counted in ClinVar's aggregate classification.

Dr. Peter K. Rogan Lab, Western University
No classification provided (evidence only). Condition: Malignant lymphoma, large B-cell, diffuse. Review status: no classification provided. Collection method: in vitro. Allele origin: not applicable. Functional consequence: retained intron. Not counted in ClinVar's aggregate classification.

Dr. Peter K. Rogan Lab, Western University
No classification provided (evidence only). Condition: Malignant lymphoma, large B-cell, diffuse. Review status: no classification provided. Collection method: in vitro. Allele origin: not applicable. Functional consequence: retained intron. Not counted in ClinVar's aggregate classification.

Dr. Peter K. Rogan Lab, Western University
No classification provided (evidence only). Condition: Hepatocellular carcinoma. Review status: no classification provided. Collection method: in vitro. Allele origin: not applicable. Functional consequence: retained intron. Not counted in ClinVar's aggregate classification.

Dr. Peter K. Rogan Lab, Western University
No classification provided (evidence only). Condition: Hepatocellular carcinoma. Review status: no classification provided. Collection method: in vitro. Allele origin: not applicable. Functional consequence: retained intron. Not counted in ClinVar's aggregate classification.

Dr. Peter K. Rogan Lab, Western University
No classification provided (evidence only). Condition: Hepatocellular carcinoma. Review status: no classification provided. Collection method: in vitro. Allele origin: not applicable. Functional consequence: retained intron. Not counted in ClinVar's aggregate classification.

Dr. Peter K. Rogan Lab, Western University
No classification provided (evidence only). Condition: Nonpapillary renal cell carcinoma. Review status: no classification provided. Collection method: in vitro. Allele origin: not applicable. Functional consequence: retained intron. Not counted in ClinVar's aggregate classification.

Dr. Peter K. Rogan Lab, Western University
No classification provided (evidence only). Condition: Nonpapillary renal cell carcinoma. Review status: no classification provided. Collection method: in vitro. Allele origin: not applicable. Functional consequence: retained intron. Not counted in ClinVar's aggregate classification.

Dr. Peter K. Rogan Lab, Western University
No classification provided (evidence only). Condition: Nonpapillary renal cell carcinoma. Review status: no classification provided. Collection method: in vitro. Allele origin: not applicable. Functional consequence: retained intron. Not counted in ClinVar's aggregate classification.

Dr. Peter K. Rogan Lab, Western University
No classification provided (evidence only). Condition: Thymoma. Review status: no classification provided. Collection method: in vitro. Allele origin: not applicable. Functional consequence: retained intron. Not counted in ClinVar's aggregate classification.

Dr. Peter K. Rogan Lab, Western University
No classification provided (evidence only). Condition: Thymoma. Review status: no classification provided. Collection method: in vitro. Allele origin: not applicable. Functional consequence: retained intron. Not counted in ClinVar's aggregate classification.

Dr. Peter K. Rogan Lab, Western University
No classification provided (evidence only). Condition: Thymoma. Review status: no classification provided. Collection method: in vitro. Allele origin: not applicable. Functional consequence: retained intron. Not counted in ClinVar's aggregate classification.

Dr. Peter K. Rogan Lab, Western University
No classification provided (evidence only). Condition: Thymoma. Review status: no classification provided. Collection method: in vitro. Allele origin: not applicable. Functional consequence: retained intron. Not counted in ClinVar's aggregate classification.

Dr. Peter K. Rogan Lab, Western University
No classification provided (evidence only). Condition: Melanoma. Review status: no classification provided. Collection method: in vitro. Allele origin: not applicable. Functional consequence: retained intron. Not counted in ClinVar's aggregate classification.

Dr. Peter K. Rogan Lab, Western University
No classification provided (evidence only). Condition: Melanoma. Review status: no classification provided. Collection method: in vitro. Allele origin: not applicable. Functional consequence: retained intron. Not counted in ClinVar's aggregate classification.

Dr. Peter K. Rogan Lab, Western University
No classification provided (evidence only). Condition: Melanoma. Review status: no classification provided. Collection method: in vitro. Allele origin: not applicable. Functional consequence: retained intron. Not counted in ClinVar's aggregate classification.

Dr. Peter K. Rogan Lab, Western University
No classification provided (evidence only). Condition: Melanoma. Review status: no classification provided. Collection method: in vitro. Allele origin: not applicable. Functional consequence: retained intron. Not counted in ClinVar's aggregate classification.